The following is an entry in ClinVar:

NM_020911.2(PLXNA4):c.3760G>A (p.Val1254Met)

Gene: PLXNA4 (plexin A4; minus strand). Cytogenetic location: 7q32.3.
Variant type: single nucleotide variant.
Coding change: c.3760G>A on transcript NM_020911.2 (MANE Select); coding-DNA position 3760, G replaced by A.
Protein change: p.Val1254Met; replaces valine 1254 with methionine.
Molecular consequence: missense variant.
Genome position (GRCh38, 1-based): chr7:132,179,801, C>T on the plus strand (G>A on the coding strand, the complement: PLXNA4 is on the minus strand). VCF-style: chr7-132179801-C-T. GRCh37 (hg19) VCF-style: chr7-131864560-C-T.
Other names: c.3760G>A, p.Val1254Met (NM_001393897.1); short protein forms V1254M.
Identifiers: ClinVar variation 3048342 (VCV003048342.3), dbSNP rs374028222, ClinGen allele CA4489383.

ClinVar aggregate classification (germline): Uncertain significance (1 of 4 stars; one submission).

Conditions:
PLXNA4-related disorder. Also called: PLXNA4-related condition.

Allele frequency attached by ClinVar (database versions not stated): gnomAD exomes 0.00001; ExAC 0.00002; gnomAD 0.00005; TOPMed 0.00008; ESP Exome Variant Server 0.00015.
gnomAD v4.1: 22 of 1,613,520 alleles (0.0014%); highest among the groups gnomAD compares: African/African-American, 0.012%; no homozygotes.

Submission:

PreventionGenetics, part of Exact Sciences
Classification: Uncertain significance for PLXNA4-related condition. Last evaluated: 2026-01-22. Review status: criteria provided, single submitter. Criteria: ACMG Guidelines, 2015. Collection method: clinical testing. Allele origin: germline.
Comment: The PLXNA4 c.3760G>A variant is predicted to result in the amino acid substitution p.Val1254Met. To our knowledge, this variant has not been reported in the literature. This variant is reported in 0.019% of alleles in individuals of African descent in gnomAD which may be too frequent to be a primary cause of disease. Although we suspect this variant is benign, at this time, the clinical significance of this variant is uncertain due to the absence of conclusive functional and genetic evidence.